The following is an entry in ClinVar:

ClinVar aggregate classification (germline): Likely pathogenic. Review status: criteria provided, multiple submitters, no conflicts (2 of 4 stars). 3 submissions from 3 submitters: Likely pathogenic (3). Last evaluated 2025-10-24.

Conditions:
Mucopolysaccharidosis, MPS-III-B (MPS3B). Also called: Mucopolysaccharidosis type IIIB (Sanfilippo B); NAGLU DEFICIENCY; N-ACETYL-ALPHA-D-GLUCOSAMINIDASE DEFICIENCY; SANFILIPPO SYNDROME B; MPS III B; MUCOPOLYSACCHARIDOSIS, TYPE IIIB. Identifiers: Orphanet 79270, MedGen C0086648, MONDO:0009656, OMIM 252920.
Charcot-Marie-Tooth disease axonal type 2V. Also called: CHARCOT-MARIE-TOOTH NEUROPATHY, TYPE 2V; CHARCOT-MARIE-TOOTH DISEASE, AXONAL, AUTOSOMAL DOMINANT, TYPE 2V. Identifiers: Orphanet 447964, MedGen C5569050, MONDO:0014665, OMIM 616491.

Submissions (3):

Women's Health and Genetics/Laboratory Corporation of America, LabCorp
Classification: Likely pathogenic for Mucopolysaccharidosis, MPS-III-B. Last evaluated: 2025-10-24. Review status: criteria provided, single submitter. Criteria: LabCorp Variant Classification Summary - May 2015. Collection method: clinical testing. Allele origin: germline.
Comment: Variant summary: NAGLU c.1043T>G (p.Leu348Arg) results in a non-conservative amino acid change located in the alpha-N-acetylglucosaminidase, tim-barrel domain (IPR024733) of the encoded protein sequence. Algorithms developed to predict the effect of missense changes on protein structure and function all suggest that this variant is likely to be disruptive. The variant was absent in 240082 control chromosomes. c.1043T>G has been observed in a homozygous individual affected with Mucopolysaccharidosis Type IIIB (Sanfilippo Syndrome B)(Almenabawy_2023). These data indicate that the variant may be associated with disease. To our knowledge, no experimental evidence demonstrating an impact on protein function has been reported. The following publication has been ascertained in the context of this evaluation (PMID: 37596900). ClinVar contains an entry for this variant (Variation ID: 3068857). Based on the evidence outlined above, the variant was classified as likely pathogenic.

Labcorp Genetics (formerly Invitae), Labcorp
Classification: Likely pathogenic for Charcot-Marie-Tooth disease axonal type 2V; Mucopolysaccharidosis, MPS-III-B. Last evaluated: 2024-05-28. Review status: criteria provided, single submitter. Criteria: Invitae Variant Classification Sherloc (09022015). Collection method: clinical testing. Allele origin: germline.
Comment: This sequence change replaces leucine, which is neutral and non-polar, with arginine, which is basic and polar, at codon 348 of the NAGLU protein (p.Leu348Arg). This variant is not present in population databases (gnomAD no frequency). This missense change has been observed in individual(s) with mucopolysaccharidosis type III (PMID: 37596900). Advanced modeling of protein sequence and biophysical properties (such as structural, functional, and spatial information, amino acid conservation, physicochemical variation, residue mobility, and thermodynamic stability) performed at Invitae indicates that this missense variant is expected to disrupt NAGLU protein function with a positive predictive value of 95%. In summary, the currently available evidence indicates that the variant is pathogenic, but additional data are needed to prove that conclusively. Therefore, this variant has been classified as Likely Pathogenic.

Fulgent Genetics
Classification: Likely pathogenic for Mucopolysaccharidosis, MPS-III-B; Charcot-Marie-Tooth disease axonal type 2V. Last evaluated: 2024-02-21. Review status: criteria provided, single submitter. Criteria: ACMG Guidelines, 2015. Collection method: clinical testing. Allele origin: germline.

Literature cited by the submitters: PubMed 37596900 (cited by Women's Health and Genetics/Laboratory Corporation of America, LabCorp and Labcorp Genetics (formerly Invitae), Labcorp).

NM_000263.4(NAGLU):c.1043T>G (p.Leu348Arg)

Gene: NAGLU (N-acetyl-alpha-glucosaminidase; plus strand). Cytogenetic location: 17q21.2.
Variant type: single nucleotide variant.
Coding change: c.1043T>G on transcript NM_000263.4 (MANE Select); coding-DNA position 1043, T replaced by G.
Protein change: p.Leu348Arg; replaces leucine 348 with arginine.
Molecular consequence: missense variant.
Genome position (GRCh38, 1-based): chr17:42,543,049, T>G. VCF-style: chr17-42543049-T-G. GRCh37 (hg19) VCF-style: chr17-40695067-T-G.
Other names: short protein forms L348R.
Identifiers: ClinVar variation 3068857 (VCV003068857.7), dbSNP rs2092925480, ClinGen allele CA399600910.